The following is an entry in ClinVar:

NM_006005.3(WFS1):c.2368_2391del (p.Ser790_Asp797del)

Gene: WFS1 (wolframin ER transmembrane glycoprotein; plus strand). Cytogenetic location: 4p16.1.
Variant type: Deletion.
Coding change: c.2368_2391del on transcript NM_006005.3 (MANE Select); coding-DNA positions 2368 to 2391, 24 bases deleted (TCGCGCAGCCGCGAGGAGGACGAC).
Protein change: p.Ser790_Asp797del.
Molecular consequence: inframe deletion.
Genome position (GRCh38, 1-based): chr4:6,302,163-6,302,186, TCGCGCAGCCGCGAGGAGGACGAC deleted; deleting any 24 consecutive bases within chr4:6,302,162-6,302,186 gives the same sequence; the c. name uses the placement nearest the transcript's 3' end. VCF-style (leftmost placement, unchanged base first): chr4-6302161-GCTCGCGCAGCCGCGAGGAGGACGA-G. GRCh37 (hg19) VCF-style: chr4-6303888-GCTCGCGCAGCCGCGAGGAGGACGA-G.
Other names: c.2368_2391del, p.Ser790_Asp797del (NM_001145853.1).
Identifiers: ClinVar variation 2814699 (VCV002814699.3), dbSNP rs2474196991, ClinGen allele CA2739270017.

ClinVar aggregate classification (germline): Uncertain significance (1 of 4 stars; one submission).

Submission:

Labcorp Genetics (formerly Invitae), Labcorp
Classification: Uncertain significance. Last evaluated: 2022-11-24. Review status: criteria provided, single submitter. Criteria: Invitae Variant Classification Sherloc (09022015). Collection method: clinical testing. Allele origin: germline.
Comment: This variant is not present in population databases (gnomAD no frequency). This variant has not been reported in the literature in individuals affected with WFS1-related conditions. Experimental studies and prediction algorithms are not available or were not evaluated, and the functional significance of this variant is currently unknown. In summary, the available evidence is currently insufficient to determine the role of this variant in disease. Therefore, it has been classified as a Variant of Uncertain Significance. This variant, c.2368_2391del, results in the deletion of 8 amino acid(s) of the WFS1 protein (p.Ser790_Asp797del), but otherwise preserves the integrity of the reading frame.